The following is an entry in ClinVar:

NM_152743.4(BRAT1):c.148C>T (p.Gln50Ter)

Gene: BRAT1 (BRCA1 associated ATM activator 1; minus strand). Cytogenetic location: 7p22.3.
Variant type: single nucleotide variant.
Coding change: c.148C>T on transcript NM_152743.4 (MANE Select); coding-DNA position 148, C replaced by T.
Protein change: p.Gln50Ter; replaces glutamine 50 with a stop codon.
Molecular consequence: nonsense. On other transcripts: 5 prime UTR variant (1), non-coding transcript variant (1).
Genome position (GRCh38, 1-based): chr7:2,547,458, G>A on the plus strand (C>T on the coding strand, the complement: BRAT1 is on the minus strand). VCF-style: chr7-2547458-G-A. GRCh37 (hg19) VCF-style: chr7-2587092-G-A.
Other names: c.148C>T, p.Gln50Ter (NM_001350626.2); c.-230C>T (NM_001350627.2); short protein forms Q50*.
Identifiers: ClinVar variation 4082544 (VCV004082544.2).

ClinVar aggregate classification (germline): Likely pathogenic (1 of 4 stars; one submission).

gnomAD v4.1: 2 of 1,614,054 alleles (0.00012%); highest among the groups gnomAD compares: Non-Finnish European, 0.00017%; no homozygotes.

Submission:

Genetic Services Laboratory, University of Chicago
Classification: Likely pathogenic. Last evaluated: 2023-12-13. Review status: criteria provided, single submitter. Criteria: ACMG Guidelines, 2015. Collection method: clinical testing. Allele origin: germline. Affected: yes.
Comment: DNA sequence analysis of the BRAT1 gene demonstrated a sequence change, c.148C>T, in exon 3 that results in the creation of a premature stop codon at amino acid position 50, p.Gln50*. This sequence change is predicted to result in an abnormal transcript, which may be degraded, or may lead to the production of a truncated BRAT1 protein with potentially abnormal function. Loss of function variants are known to be disease causing in the BRAT1 gene and other truncating variants in the BRAT1 gene, downstream to this position, have been described in BRAT1-related disorder (PMID: 27282546). This sequence change has been described in the gnomAD database with a frequency of 0.0003% in the overall population (dbSNP rs771185659). Collectively this evidence suggests that, the p.Gln50* change is likely pathogenic, however functional studies have not been performed to prove this conclusively.